The following is an entry in ClinVar:

NM_001330564.2(ZC3H13):c.3494T>C (p.Val1165Ala)

Gene: ZC3H13 (zinc finger CCCH-type containing 13; minus strand). Cytogenetic location: 13q14.13.
Variant type: single nucleotide variant.
Coding change: c.3494T>C on transcript NM_001330564.2 (MANE Select); coding-DNA position 3494, T replaced by C.
Protein change: p.Val1165Ala; replaces valine 1165 with alanine.
Molecular consequence: missense variant. On other transcripts: non-coding transcript variant (1).
Genome position (GRCh38, 1-based): chr13:45,969,050, A>G on the plus strand (T>C on the coding strand, the complement: ZC3H13 is on the minus strand). VCF-style: chr13-45969050-A-G. GRCh37 (hg19) VCF-style: chr13-46543185-A-G.
Other names: c.3494T>C, p.Val1165Ala (NM_001382210.1, NM_015070.6, NM_001076788.2 and 7 more transcripts); c.3578T>C, p.Val1193Ala (NM_001382211.1, NM_001382212.1, NM_001382213.1); c.2993T>C, p.Val998Ala (NM_001382214.1); short protein forms V1165A, V1193A, V998A.
Identifiers: ClinVar variation 2643806 (VCV002643806.24), dbSNP rs148627174, ClinGen allele CA6973946.
Genomic context (GRCh38, chr13:45,969,050, plus strand): 5'-TCCATAGGCTTGCGATGCTGTGCATCTTCTATAGTCACGTGAGGCGTCTCTACTTTTTCT[A>G]CTCGTGTTCTGTGGCATTTTCTGTGTGAGTCTTCATTGGCAAAAGTATTATTGGTGGTAT-3'
Protein context (NP_001317493.1, residues 1155-1175): DSHRKCHRTR[Val1165Ala]EKVETPHVTI

ClinVar aggregate classification (germline): Likely benign (1 of 4 stars; one submission).

Allele frequency attached by ClinVar (database versions not stated): 1000 Genomes Project 30x 0.00078; 1000 Genomes Project 0.00100; TOPMed 0.00417; ESP Exome Variant Server 0.00492; gnomAD exomes 0.00542; gnomAD 0.00548; ExAC 0.00563.
gnomAD v4.1: 8,698 of 1,613,604 alleles (0.54%); highest among the groups gnomAD compares: Non-Finnish European, 0.59%; 51 homozygotes.

Submission:

CeGaT Center for Human Genetics Tuebingen
Classification: Likely benign. Last evaluated: 2023-01-01. Review status: criteria provided, single submitter. Criteria: CeGaT Center For Human Genetics Tuebingen Variant Classification Criteria Version 2. Collection method: clinical testing. Allele origin: germline. Affected: yes. Observed: 1 variant allele.
Comment: ZC3H13: BP4, BS2